The following is an entry in ClinVar:

NM_000521.4(HEXB):c.1287T>A (p.Tyr429Ter)

Gene: HEXB (hexosaminidase subunit beta; plus strand). Cytogenetic location: 5q13.3.
Variant type: single nucleotide variant.
Coding change: c.1287T>A on transcript NM_000521.4 (MANE Select); coding-DNA position 1287, T replaced by A.
Protein change: p.Tyr429Ter; replaces tyrosine 429 with a stop codon.
Molecular consequence: nonsense.
Genome position (GRCh38, 1-based): chr5:74,718,841, T>A. VCF-style: chr5-74718841-T-A. GRCh37 (hg19) VCF-style: chr5-74014666-T-A.
Other names: c.1287T>A (NM_000521.3); c.612T>A, p.Tyr204Ter (NM_001292004.2); short protein forms Y204*, Y429*.
Identifiers: ClinVar variation 984369 (VCV000984369.4), dbSNP rs1749739842, ClinGen allele CA360070249.

ClinVar aggregate classification (germline): Likely pathogenic. Review status: criteria provided, multiple submitters, no conflicts (2 of 4 stars). 2 submissions from 2 submitters: Likely pathogenic (2). Last evaluated 2025-05-22.

Conditions:
Sandhoff disease. Also called: GM2-GANGLIOSIDOSIS, TYPE II; Beta-hexosaminidase-beta-subunit deficiency; GM2 gangliosidosis, type 2; Total hexosaminidase deficiency; Sandhoff-Jatzkewitz-Pilz disease; HEXOSAMINIDASES A AND B DEFICIENCY. Identifiers: Orphanet 796, MedGen C0036161, MONDO:0010006, OMIM 268800.

gnomAD v4.1: 1 of 1,614,198 alleles (0.000062%); highest among the groups gnomAD compares: Non-Finnish European, 0.000085%; no homozygotes.

Submissions (2):

Natera, Inc.
Classification: Likely pathogenic for Sandhoff disease. Last evaluated: 2025-05-22. Review status: criteria provided, single submitter. Criteria: Natera Variant Classification Schema (03/2026). Collection method: clinical testing. Allele origin: germline.
Comment: The c.1287T>A variant in HEXB is a nonsense variant predicted to introduce a stop codon at amino acid 429. This variant is expected to result in nonsense mediated decay, truncation, or a dysfunctional protein product. This variant is rare in the general population with a frequency below the threshold expected for the associated phenotype(s). Given the available evidence, this variant is classified as Likely Pathogenic.

Myriad Genetics, Inc.
Classification: Likely pathogenic for Sandhoff disease. Last evaluated: 2019-01-06. Review status: criteria provided, single submitter. Criteria: Myriad Women's Health Autosomal Recessive and X-Linked Classification Criteria (2019). Collection method: clinical testing. Allele origin: unknown.
Comment: NM_000521.3(HEXB):c.1287T>A(Y429*) is expected to be pathogenic in the context of Sandhoff disease. This variant is predicted to lead to an abnormal or absent protein product due to the creation of a premature termination codon in HEXB, a gene where loss-of-function variants are known to be pathogenic. Please note: this variant was assessed in the context of healthy population screening.